The following is an entry in ClinVar:

NM_000057.4(BLM):c.1963A>G (p.Met655Val)

Gene: BLM (BLM RecQ like helicase; plus strand). Cytogenetic location: 15q26.1.
Variant type: single nucleotide variant.
Coding change: c.1963A>G on transcript NM_000057.4 (MANE Select); coding-DNA position 1963, A replaced by G.
Protein change: p.Met655Val; replaces methionine 655 with valine.
Molecular consequence: missense variant.
Genome position (GRCh38, 1-based): chr15:90,763,046, A>G. VCF-style: chr15-90763046-A-G. GRCh37 (hg19) VCF-style: chr15-91306276-A-G.
Other names: c.1963A>G, p.Met655Val (NM_001287246.2, NM_001287247.2); c.838A>G, p.Met280Val (NM_001287248.2); short protein forms M280V, M655V.
Identifiers: ClinVar variation 4827205 (VCV004827205.1).

ClinVar aggregate classification (germline): Uncertain significance (1 of 4 stars; one submission).

Conditions:
Hereditary cancer-predisposing syndrome. Also called: Neoplastic Syndromes, Hereditary; Tumor predisposition; Hereditary Cancer Syndrome; Hereditary neoplastic syndrome. Identifiers: Orphanet 140162, MedGen C0027672, MeSH D009386, MONDO:0015356.

Submission:

Ambry Genetics
Classification: Uncertain significance for Hereditary cancer-predisposing syndrome. Last evaluated: 2026-03-01. Review status: criteria provided, single submitter. Criteria: Ambry Variant Classification Scheme 2023. Collection method: clinical testing. Allele origin: germline.
Comment: The p.M655V variant (also known as c.1963A>G), located in coding exon 7 of the BLM gene, results from an A to G substitution at nucleotide position 1963. The methionine at codon 655 is replaced by valine, an amino acid with highly similar properties. This amino acid position is conserved. In addition, the in silico prediction for this alteration is inconclusive. Based on the available evidence, the clinical significance of this variant remains unclear.